The following is an entry in ClinVar:

NM_000023.4(SGCA):c.850C>T (p.Arg284Cys)

Gene: SGCA (sarcoglycan alpha; plus strand). Cytogenetic location: 17q21.33.
Variant type: single nucleotide variant.
Coding change: c.850C>T on transcript NM_000023.4 (MANE Select); coding-DNA position 850, C replaced by T.
Protein change: p.Arg284Cys; replaces arginine 284 with cysteine.
Molecular consequence: missense variant. On other transcripts: intron variant (1).
Genome position (GRCh38, 1-based): chr17:50,170,245, C>T. VCF-style: chr17-50170245-C-T. GRCh37 (hg19) VCF-style: chr17-48247606-C-T.
Other names: NM_000023.4(SGCA):c.850C>T; c.850C>T, p.Arg284Cys (LRG_203t1); c.585-395C>T (NM_001135697.3); short protein forms R284C.
Identifiers: ClinVar variation 9439 (VCV000009439.84), dbSNP rs137852623, ClinGen allele CA120431.

ClinVar aggregate classification (germline): Pathogenic. Review status: reviewed by expert panel (3 of 4 stars). 19 submissions from 19 submitters: Pathogenic (1). 18 of the submissions do not count toward it. Last evaluated 2025-01-09.

Conditions:
SGCA-related disorder. Also called: SGCA-related condition.
Sarcoglycanopathy. Identifiers: Orphanet 207052, MedGen C2936331, MONDO:0016140.
Autosomal recessive limb-girdle muscular dystrophy. Identifiers: Orphanet 102015, MedGen C2931907, MONDO:0015152.
Autosomal recessive limb-girdle muscular dystrophy type 2D (LGMDR3). Also called: ADHALINOPATHY, PRIMARY; DUCHENNE-LIKE AUTOSOMAL RECESSIVE MUSCULAR DYSTROPHY, TYPE 2; MUSCULAR DYSTROPHY, LIMB-GIRDLE, AUTOSOMAL RECESSIVE 3. Identifiers: Orphanet 62, MedGen C2936332, MONDO:0011968, OMIM 608099. Disease mechanism: Affects gamma-sarcoglycan and also disrupts the integrity of the entire sarcoglycan complex..

Allele frequency attached by ClinVar (database versions not stated): gnomAD 0.00013; TOPMed 0.00018.
gnomAD v4.1: 158 of 1,614,186 alleles (0.0098%); highest among the groups gnomAD compares: Middle Eastern, 0.066%; no homozygotes.

Submissions 1 to 13 of 19:

ClinGen Limb Girdle Muscular Dystrophy Variant Curation Expert Panel, ClinGen
Classification: Pathogenic for Autosomal recessive limb-girdle muscular dystrophy. Last evaluated: 2025-01-09. Review status: reviewed by expert panel. Criteria: ClinGen LGMD VCEP ACMG Specifications SGCA V1.0.0. Collection method: curation. Allele origin: germline. Inheritance: Autosomal recessive inheritance.
Comment: The NM_000023.4: c.850C>T variant in SGCA is a missense variant predicted to cause substitution of arginine by cysteine at amino acid 284 (p.Arg284Cys). This variant has been detected in at least five individuals with autosomal recessive limb girdle muscular dystrophy. Of those individuals, one was compound heterozygous for the variant and a pathogenic or likely pathogenic variant (c.241C>T p.(Arg81Cys), 1 pt, PMID: 17994539), and two were homozygous for the variant (1 pt, PMID: 26404900, 26453141) (PM3_Strong). At least one patient with this variant and a second presumed diagnostic variant in SGCA displayed progressive limb girdle muscle weakness and significantly reduced or absent alpha-sarcoglycan protein expression, which is highly specific for SGCA-related LGMD (PP4_Strong; UCSD internal clinic data communication, PMID: 17994539). In addition, the variant has been reported to segregate with autosomal recessive limb girdle muscular dystrophy in one affected family member (PP1; PMID: 17994539). The minor allele frequency for this variant is 0.0002205 in the European (non-Finnish) population of gnomAD v3.1.2 (15/68028 genome chromosomes), which exceeds the LGMD VCEP threshold of 0.00009 for PM2_Supporting (criterion not met). The computational predictor REVEL gives a score of 0.754, which is above the threshold of 0.7, evidence that correlates with impact to SGCA function (PP3). In summary, this variant meets the criteria to be classified as Pathogenic for autosomal recessive limb girdle muscular dystrophy based on the ACMG/AMP criteria applied, as specified by the ClinGen LGMD VCEP (LGMD VCEP specifications version 1.0.0; 01/09/2025): PM3_Strong, PP4_Strong, PP1, PP3.

Labcorp Genetics (formerly Invitae), Labcorp
Classification: Pathogenic for Autosomal recessive limb-girdle muscular dystrophy type 2D. Last evaluated: 2026-01-19. Review status: criteria provided, single submitter. Criteria: Invitae Variant Classification Sherloc (09022015). Collection method: clinical testing. Allele origin: germline. Not counted in ClinVar's aggregate classification.
Comment: This sequence change replaces arginine, which is basic and polar, with cysteine, which is neutral and slightly polar, at codon 284 of the SGCA protein (p.Arg284Cys). This variant is present in population databases (rs137852623, gnomAD 0.08%). This missense change has been observed in individual(s) with limb-girdle muscular dystrophy type 2D and is one of the most common causes (PMID: 9032047, 9192266, 18285821, 18421900, 25135358, 26404900, 26453141). In at least one individual the data is consistent with being in trans (on the opposite chromosome) from a pathogenic variant. ClinVar contains an entry for this variant (Variation ID: 9439). Invitae Evidence Modeling of protein sequence and biophysical properties (such as structural, functional, and spatial information, amino acid conservation, physicochemical variation, residue mobility, and thermodynamic stability) indicates that this missense variant is expected to disrupt SGCA protein function with a positive predictive value of 95%. Experimental studies have shown that this missense change affects SGCA function (PMID: 22095924). For these reasons, this variant has been classified as Pathogenic.

First Genomix Gene Laboratory, Genetic Diagnostics Department
Classification: Pathogenic for Autosomal recessive limb-girdle muscular dystrophy type 2D. Last evaluated: 2025-07-31. Review status: criteria provided, single submitter. Criteria: ACMG Guidelines, 2015. Collection method: clinical testing. Allele origin: germline. Inheritance: Autosomal recessive inheritance. Affected: no. Observed: 1 variant allele. Not counted in ClinVar's aggregate classification.

Natera, Inc.
Classification: Pathogenic for Limb-girdle muscular dystrophy type 2D. Last evaluated: 2025-07-25. Review status: criteria provided, single submitter. Criteria: Natera Variant Classification Schema (03/2026). Collection method: clinical testing. Allele origin: germline. Not counted in ClinVar's aggregate classification.
Comment: The c.850C>T variant in SGCA is a missense variant predicted to cause substitution of arginine to cysteine at amino acid 284. This variant is rare in the general population with a frequency below the threshold expected for the associated phenotype(s). This variant has been observed in one or more individuals affected with the associated recessive disease, as either homozygous or compound heterozygous with a second variant (PMID: 17994539, 31836381, 30919934). Additionally, this variant has been observed to segregate in affected family members (PMID: 17994539). Computational prediction algorithms indicate this variant is likely to affect gene or protein function. Given the available evidence, this variant is classified as Pathogenic.

Revvity Omics, Revvity
Classification: Pathogenic for Autosomal recessive limb-girdle muscular dystrophy type 2D. Last evaluated: 2025-03-18. Review status: criteria provided, single submitter. Criteria: ACMG Guidelines, 2015. Collection method: clinical testing. Allele origin: germline. Not counted in ClinVar's aggregate classification.

Blueprint Genetics
Classification: Pathogenic for SGCA-related disorders. Last evaluated: 2024-11-01. Review status: criteria provided, single submitter. Criteria: ACMG Guidelines, 2015. Collection method: clinical testing. Allele origin: germline. Affected: yes. Observed: 5 variant alleles. Not counted in ClinVar's aggregate classification.

CeGaT Center for Human Genetics Tuebingen
Classification: Pathogenic. Last evaluated: 2024-05-01. Review status: criteria provided, single submitter. Criteria: CeGaT Center For Human Genetics Tuebingen Variant Classification Criteria Version 2. Collection method: clinical testing. Allele origin: germline. Affected: yes. Observed: 1 variant allele. Not counted in ClinVar's aggregate classification.
Comment: SGCA: PM3:Very Strong, PM2, PS3:Supporting

Baylor Genetics
Classification: Pathogenic for Autosomal recessive limb-girdle muscular dystrophy type 2D. Last evaluated: 2024-03-30. Review status: criteria provided, single submitter. Criteria: ACMG Guidelines, 2015. Collection method: clinical testing. Allele origin: unknown. Not counted in ClinVar's aggregate classification.

Fulgent Genetics
Classification: Pathogenic for Autosomal recessive limb-girdle muscular dystrophy type 2D. Last evaluated: 2024-03-13. Review status: criteria provided, single submitter. Criteria: ACMG Guidelines, 2015. Collection method: clinical testing. Allele origin: germline. Not counted in ClinVar's aggregate classification.

Laboratory of Medical Genetics, National & Kapodistrian University of Athens
Classification: Pathogenic for Autosomal recessive limb-girdle muscular dystrophy type 2D. Last evaluated: 2024-02-01. Review status: criteria provided, single submitter. Criteria: ACMG Guidelines, 2015. Collection method: curation. Allele origin: germline. Affected: no. Not counted in ClinVar's aggregate classification.

Kariminejad - Najmabadi Pathology & Genetics Center
Classification: Pathogenic for Autosomal recessive limb-girdle muscular dystrophy type 2D. Last evaluated: 2023-02-08. Review status: criteria provided, single submitter. Criteria: ACMG Guidelines, 2015. Collection method: clinical testing. Allele origin: germline. Inheritance: Autosomal recessive inheritance. Affected: yes. Not counted in ClinVar's aggregate classification.
Comment: PM2, PM5?, PP3, PP2, PP5-Strong, PM3, PS3_supporting

GeneDx
Classification: Pathogenic. Last evaluated: 2023-01-24. Review status: criteria provided, single submitter. Criteria: GeneDx Variant Classification Process June 2021. Collection method: clinical testing. Allele origin: germline. Affected: yes. Not counted in ClinVar's aggregate classification.
Comment: In silico analysis supports that this missense variant has a deleterious effect on protein structure/function; The majority of missense variants in this gene are considered pathogenic (HGMD); This variant is associated with the following publications: (PMID: 12075495, 18285821, 9585331, 27297959, 33458577, 34440373, 18421900, 26453141, 22095924, 11693784, 17994539, 9032047, 9192266, 9153448, 10842281, 12746421, 12566530, 30218921, 29382405, 29792937, 18996010, 30564623, 30919934, 31517061, 34426522, 31589614, 32140910, 32528171, 31980526)

Genome-Nilou Lab
Classification: Pathogenic for Autosomal recessive limb-girdle muscular dystrophy type 2D. Last evaluated: 2021-07-22. Review status: criteria provided, single submitter. Criteria: ACMG Guidelines, 2015. Collection method: clinical testing. Allele origin: germline. Affected: no. Not counted in ClinVar's aggregate classification.